The following is an entry in ClinVar:

ClinVar aggregate classification (germline): Uncertain significance (1 of 4 stars; one submission).

Conditions:
Progressive myoclonic epilepsy type 8. Identifiers: Orphanet 424027, MedGen C5190825, MONDO:0014545, OMIM 616230.

Allele frequency attached by ClinVar (database versions not stated): gnomAD 0.00001; TOPMed 0.00001.
gnomAD v4.1: 8 of 1,242,160 alleles (0.00064%); highest among the groups gnomAD compares: South Asian, 0.0023%; no homozygotes.

Submission:

Labcorp Genetics (formerly Invitae), Labcorp
Classification: Uncertain significance for Progressive myoclonic epilepsy type 8. Last evaluated: 2024-10-23. Review status: criteria provided, single submitter. Criteria: Invitae Variant Classification Sherloc (09022015). Collection method: clinical testing. Allele origin: germline.
Comment: This sequence change replaces alanine, which is neutral and non-polar, with valine, which is neutral and non-polar, at codon 53 of the CERS1 protein (p.Ala53Val). This variant is not present in population databases (gnomAD no frequency). This variant has not been reported in the literature in individuals affected with CERS1-related conditions. ClinVar contains an entry for this variant (Variation ID: 1503910). Invitae Evidence Modeling of protein sequence and biophysical properties (such as structural, functional, and spatial information, amino acid conservation, physicochemical variation, residue mobility, and thermodynamic stability) indicates that this missense variant is not expected to disrupt CERS1 protein function with a negative predictive value of 80%. In summary, the available evidence is currently insufficient to determine the role of this variant in disease. Therefore, it has been classified as a Variant of Uncertain Significance.

NM_021267.5(CERS1):c.158C>T (p.Ala53Val)

Genes: CERS1 (ceramide synthase 1; minus strand), GDF1 (growth differentiation factor 1; minus strand). Cytogenetic location: 19p13.11.
Variant type: single nucleotide variant.
Coding change: c.158C>T on transcript NM_021267.5 (MANE Select); coding-DNA position 158, C replaced by T.
Protein change: p.Ala53Val; replaces alanine 53 with valine.
Molecular consequence: missense variant. On other transcripts: 5 prime UTR variant (4), intron variant (3).
Genome position (GRCh38, 1-based): chr19:18,895,915, G>A on the plus strand (C>T on the coding strand, the complement: CERS1 is on the minus strand). VCF-style: chr19-18895915-G-A. GRCh37 (hg19) VCF-style: chr19-19006724-G-A.
Other names: c.158C>T, p.Ala53Val (NM_001387439.1, NM_001387440.1, NM_001387441.1 and 1 more transcripts); c.-371C>T (NM_001387444.1); c.-318C>T (NM_001387445.1); c.-745C>T (NM_001387438.1); c.-1165C>T (NM_001492.6); c.-46+811C>T (NM_001387443.1); c.-46+646C>T (NM_001387442.1, NM_001290265.2); short protein forms A53V.
Identifiers: ClinVar variation 1503910 (VCV001503910.7), dbSNP rs2056615240, ClinGen allele CA404868461.